The following is an entry in ClinVar:

NM_000321.3(RB1):c.2714-18T>C

Gene: RB1 (RB transcriptional corepressor 1; plus strand). Cytogenetic location: 13q14.2.
Variant type: single nucleotide variant.
Coding change: c.2714-18T>C on transcript NM_000321.3 (MANE Select); 18 bases into the intron before coding-DNA position 2714, T replaced by C.
Molecular consequence: intron variant.
Genome position (GRCh38, 1-based): chr13:48,479,980, T>C. VCF-style: chr13-48479980-T-C. GRCh37 (hg19) VCF-style: chr13-49054116-T-C.
Identifiers: ClinVar variation 1582717 (VCV001582717.9), dbSNP rs140331128, ClinGen allele CA037236.

ClinVar aggregate classification (germline): Benign/Likely benign. Review status: criteria provided, multiple submitters, no conflicts (2 of 4 stars). 2 submissions from 2 submitters: Benign (1); Likely benign (1). Last evaluated 2026-06-25.

Conditions:
Retinoblastoma (RB1). Also called: RETINOBLASTOMA, SOMATIC. Identifiers: Orphanet 790, MedGen C0035335, MeSH D012175, MONDO:0008380, OMIM 180200, HP:0009919. Disease mechanism: loss of function. Inheritance: Both sporadic and heritable forms are tested..

Allele frequency attached by ClinVar (database versions not stated): 1000 Genomes Project 30x 0.00016; 1000 Genomes Project 0.00020; gnomAD 0.00001; TOPMed 0.00001; gnomAD exomes 0.00002 and 0.00001; ExAC 0.00001.
gnomAD v4.1: 13 of 1,607,624 alleles (0.00081%); highest among the groups gnomAD compares: East Asian, 0.029%; no homozygotes.

Submissions (2):

Myriad Genetics, Inc.
Classification: Benign for Retinoblastoma. Last evaluated: 2026-06-25. Review status: criteria provided, single submitter. Criteria: Myriad Autosomal Dominant, Autosomal Recessive and X-Linked Classification Criteria (2023). Collection method: clinical testing. Allele origin: unknown.
Comment: This variant is considered benign. This variant is intronic and is not expected to impact mRNA splicing. This variant has been observed at a population frequency that is significantly greater than expected given the associated disease prevalence and penetrance.

Labcorp Genetics (formerly Invitae), Labcorp
Classification: Likely benign for Retinoblastoma. Last evaluated: 2025-07-07. Review status: criteria provided, single submitter. Criteria: Invitae Variant Classification Sherloc (09022015). Collection method: clinical testing. Allele origin: germline.